The following is an entry in ClinVar:

NM_001111.5(ADAR):c.577C>A (p.Pro193Thr)

Gene: ADAR (adenosine deaminase RNA specific; minus strand). Cytogenetic location: 1q21.3.
Variant type: single nucleotide variant.
Coding change: c.577C>A on transcript NM_001111.5 (MANE Select); coding-DNA position 577, C replaced by A.
Protein change: p.Pro193Thr; replaces proline 193 with threonine.
Molecular consequence: missense variant. On other transcripts: 5 prime UTR variant (6).
Genome position (GRCh38, 1-based): chr1:154,602,065, G>T on the plus strand (C>A on the coding strand, the complement: ADAR is on the minus strand). VCF-style: chr1-154602065-G-T. GRCh37 (hg19) VCF-style: chr1-154574541-G-T.
Other names: c.-309C>A (NM_001025107.3, NM_001193495.2, NM_001365046.1 and 3 more transcripts); c.604C>A, p.Pro202Thr (NM_001365045.1); c.577C>A, p.Pro193Thr (NM_015840.4, NM_015841.4); short protein forms P193T, P202T.
Identifiers: ClinVar variation 4793992 (VCV004793992.1).
Genomic context (GRCh38, chr1:154,602,065, plus strand): 5'-GTCTTACCACTCCGCTGTGCTGGTTCCAAGCCTGAGTGGAGACCGCGATTTTCCACAAAG[G>T]GGGTGTTCCTGCCTCTTTCTGTAGCTTGCCCTTCTTTGCCAGGGAGTATAAAACTCGATT-3'
Protein context (NP_001102.3, residues 183-203): GKLQKEAGTP[Pro193Thr]LWKIAVSTQA

ClinVar aggregate classification (germline): Uncertain significance (1 of 4 stars; one submission).

Conditions:
Symmetrical dyschromatosis of extremities (DSH). Also called: DYSCHROMATOSIS SYMMETRICA HEREDITARIA 1; RETICULATE ACROPIGMENTATION OF DOHI; SYMMETRIC DYSCHROMATOSIS OF THE EXTREMITIES; Dyschromatosis symmetrica hereditaria. Identifiers: Orphanet 41, MedGen C0406775, MONDO:0007483, OMIM 127400.
Aicardi-Goutieres syndrome 6 (AGS6). Identifiers: Orphanet 51, MedGen C3539013, MONDO:0014007, OMIM 615010.

gnomAD v4.1: 3 of 1,614,058 alleles (0.00019%); highest among the groups gnomAD compares: Non-Finnish European, 0.00025%; no homozygotes.

Submission:

Labcorp Genetics (formerly Invitae), Labcorp
Classification: Uncertain significance for Aicardi-Goutieres syndrome 6; Symmetrical dyschromatosis of extremities. Last evaluated: 2025-12-01. Review status: criteria provided, single submitter. Criteria: Invitae Variant Classification Sherloc (09022015). Collection method: clinical testing. Allele origin: germline.
Comment: This sequence change replaces proline, which is neutral and non-polar, with threonine, which is neutral and polar, at codon 193 of the ADAR protein (p.Pro193Thr). This variant is present in population databases (rs145588689, gnomAD 0.0009%). This variant has not been reported in the literature in individuals affected with ADAR-related conditions. An algorithm developed to predict the effect of missense changes on protein structure and function (PolyPhen-2) suggests that this variant is likely to be disruptive. In summary, the available evidence is currently insufficient to determine the role of this variant in disease. Therefore, it has been classified as a Variant of Uncertain Significance.